The following is an entry in ClinVar:

ClinVar aggregate classification (germline): Conflicting classifications of pathogenicity. Review status: criteria provided, conflicting classifications (1 of 4 stars). 6 submissions from 6 submitters: Likely pathogenic (5); Uncertain significance (1). Last evaluated 2025-12-17.

Conditions:
GBE1-related disorder. Also called: GBE1-related condition; GBE1-related disorders. Identifiers: MedGen CN239402.
Glycogen storage disease, type IV (GSD4). Also called: CIRRHOSIS, FAMILIAL, WITH DEPOSITION OF ABNORMAL GLYCOGEN; GBE1 DEFICIENCY; GLYCOGEN BRANCHING ENZYME DEFICIENCY; GLYCOGENOSIS IV; GSD IV; Glycogen storage disease due to glycogen branching enzyme deficiency. Identifiers: Orphanet 367, MedGen C0017923, MONDO:0009292, OMIM 232500.

Allele frequency attached by ClinVar (database versions not stated): TOPMed below 0.00001; gnomAD 0.00001; gnomAD exomes 0.00001 and 0.00002; ExAC 0.00003.

Submissions (6):

Myriad Genetics, Inc.
Classification: Uncertain significance for Glycogen storage disease, type IV. Last evaluated: 2025-12-17. Review status: criteria provided, single submitter. Criteria: Myriad Autosomal Dominant, Autosomal Recessive and X-Linked Classification Criteria (2023). Collection method: clinical testing. Allele origin: unknown.
Comment: NM_000158.3(GBE1):c.563A>C(H188P) is a missense variant classified as a variant of uncertain significance in the context of glycogen storage disease, GBE1-related. H188P has been observed in cases with relevant disease (PMID: 19813197, 31974414, 38012812). Relevant functional assessments of this variant are not available in the literature. H188P has been observed in referenced population frequency databases. In summary, there is insufficient evidence to classify NM_000158.3(GBE1):c.563A>C(H188P) as pathogenic or benign. Please note: this variant was assessed in the context of healthy population screening.

PreventionGenetics, part of Exact Sciences
Classification: Likely pathogenic for GBE1-related condition. Last evaluated: 2025-08-29. Review status: criteria provided, single submitter. Criteria: ACMG Guidelines, 2015. Collection method: clinical testing. Allele origin: germline.
Comment: The GBE1 c.563A>C variant is predicted to result in the amino acid substitution p.His188Pro. This variant was reported in the compound heterozygous state in three individuals with clinical and biochemical features consistent with autosomal recessive glycogen storage disease (Fernandez et al. 2010. PubMed ID: 19813197; Vora et al. 2020. PubMed ID: 31974414). This variant is reported in 0.0034% of alleles in individuals of Latino descent in gnomAD. This variant is interpreted as likely pathogenic.

Natera, Inc.
Classification: Likely pathogenic for Glycogen storage disease type IV. Last evaluated: 2025-01-08. Review status: criteria provided, single submitter. Criteria: Natera Variant Classification Schema (03/2026). Collection method: clinical testing. Allele origin: germline.
Comment: The c.563A>C variant in GBE1 is a missense variant predicted to cause substitution of histidine to proline at amino acid 188. This variant is rare in the general population with a frequency below the threshold expected for the associated phenotype(s). This variant has been observed in one or more individuals affected with the associated recessive disease, as either homozygous or compound heterozygous with a second variant (PMID: 31974414, 19813197, 38012812). Additionally, this variant has been observed to segregate in affected family members (PMID: 36690925). Computational prediction algorithms indicate this variant is likely to affect gene or protein function. Given the available evidence, this variant is classified as Likely Pathogenic.

Baylor Genetics
Classification: Likely pathogenic for Glycogen storage disease, type IV. Last evaluated: 2023-09-20. Review status: criteria provided, single submitter. Criteria: ACMG Guidelines, 2015. Collection method: clinical testing. Allele origin: unknown.

Blueprint Genetics
Classification: Likely pathogenic for GBE1-related disorders. Last evaluated: 2022-04-22. Review status: criteria provided, single submitter. Criteria: ACMG Guidelines, 2015. Collection method: clinical testing. Allele origin: germline. Affected: yes. Observed: 2 variant alleles.

Broad Center for Mendelian Genomics, Broad Institute of MIT and Harvard
Classification: Likely pathogenic for Glycogen storage disease, type IV. Last evaluated: 2022-01-27. Review status: criteria provided, single submitter. Criteria: ACMG Guidelines, 2015. Collection method: curation. Allele origin: germline. Inheritance: Autosomal recessive inheritance.
Comment: The p.His188Pro variant in GBE1 has been reported in 2 individuals with glycogen storage disease type IV (GSD IV) (PMID: 19813197, 31974414) and has been identified in 0.003% (1/29508) of Latino/Admixed American chromosomes by the Genome Aggregation Database (gnomAD; dbSNP ID: rs773558446). Although this variant has been seen in the general population in a heterozygous state, its frequency is low enough to be consistent with a recessive carrier frequency. Of the 2 affected individuals, 1 was a compound heterozygote that carried a reported likely pathogenic variant with unknown phase, and 1 was a compound heterozygote that carried a reported pathogenic variant in trans, which increases the likelihood that the p.His188Pro variant is pathogenic (VariationID: 208584; PMID: 19813197, 31974414). The phenotype of individuals compound heterozygous for this variant is highly specific for GSD IV based on strict biochemical investigations consistent with disease (PMID: 19813197). Computational prediction tools and conservation analyses suggest that this variant may impact the protein, though this information is not predictive enough to determine pathogenicity. In summary, although additional studies are required to fully establish its clinical significance, this variant is likely pathogenic for autosomal recessive GSD IV. ACMG/AMP Criteria applied: PP3, PP4, PM3, PM2 (Richards 2015).

Literature cited by the submitters: PubMed 19813197 (cited by Myriad Genetics, Inc. and Natera, Inc.); PubMed 31974414 (cited by Myriad Genetics, Inc. and Natera, Inc.); PubMed 38012812 (cited by Myriad Genetics, Inc. and Natera, Inc.); PubMed 36690925 (cited by Natera, Inc.).

NM_000158.4(GBE1):c.563A>C (p.His188Pro)

Gene: GBE1 (1,4-alpha-glucan branching enzyme 1; minus strand). Cytogenetic location: 3p12.2.
Variant type: single nucleotide variant.
Coding change: c.563A>C on transcript NM_000158.4 (MANE Select); coding-DNA position 563, A replaced by C.
Protein change: p.His188Pro; replaces histidine 188 with proline.
Molecular consequence: missense variant.
Genome position (GRCh38, 1-based): chr3:81,648,984, T>G on the plus strand (A>C on the coding strand, the complement: GBE1 is on the minus strand). VCF-style: chr3-81648984-T-G. GRCh37 (hg19) VCF-style: chr3-81698135-T-G.
Other names: NM_000158.4:c.563A>C; c.563A>C (NM_000158.3); short protein forms H188P.
Identifiers: ClinVar variation 1341395 (VCV001341395.5), dbSNP rs773558446, ClinGen allele CA2499916.
Genomic context (GRCh38, chr3:81,648,984, plus strand): 5'-GAAGAAATTCCCACATGAGATTCATAAATTCTTAGACTCCGTGGCTTCTTTGGTCTGGAA[T>G]GCTTAAACTACAGAATATAAAATTATGTATAGAGTTAAGCCAGGAATTCTGGTATGACAC-3'
Protein context (NP_000149.4, residues 178-198): WDPEHSYEFK[His188Pro]SRPKKPRSLR